The following is an entry in ClinVar:

NM_003193.5(TBCE):c.1333CTA[1] (p.Leu446del)

Genes: B3GALNT2 (beta-1,3-N-acetylgalactosaminyltransferase 2; minus strand), TBCE (tubulin folding cofactor E; plus strand). Cytogenetic location: 1q42.3.
Variant type: Microsatellite.
Coding change: c.1333CTA[1] on transcript NM_003193.5 (MANE Select); one copy of the 3-base unit CTA starting at c.1333; the reference has two copies in a row; one copy, 3 bases deleted; also written c.1336_1338del.
Protein change: p.Leu446del; deletes leucine 446.
Molecular consequence: inframe deletion.
Genome position (GRCh38, 1-based): chr1:235,441,879-235,441,881, CTA deleted; deleting any 3 consecutive bases within chr1:235,441,876-235,441,881 gives the same sequence; the position shown is the placement nearest the transcript's 3' end. VCF-style (leftmost placement, unchanged base first): chr1-235441875-GCTA-G. GRCh37 (hg19) VCF-style: chr1-235605190-GCTA-G.
Other names: c.1333CTA[1], p.Leu446del (NM_001079515.3); c.1486CTA[1], p.Leu497del (NM_001287801.2); c.994CTA[1], p.Leu333del (NM_001287802.2); c.1336_1338del (NM_003193.5); short protein forms L333del, L446del, L497del.
Identifiers: ClinVar variation 1333319 (VCV001333319.1), dbSNP rs760204612, ClinGen allele CA1464417.

ClinVar aggregate classification (germline): Uncertain significance (1 of 4 stars; one submission).

Conditions:
Encephalopathy, progressive, with amyotrophy and optic atrophy (PEAMO). Identifiers: MedGen C4310667, MONDO:0014968, OMIM 617207.

Submission:

3billion
Classification: Uncertain significance for Encephalopathy, progressive, with amyotrophy and optic atrophy. Last evaluated: 2022-01-03. Review status: criteria provided, single submitter. Criteria: ACMG Guidelines, 2015. Collection method: clinical testing. Allele origin: germline. Affected: yes. Observed: 1 heterozygote.
Comment: This inframe deletion in the non-repeat region can change the length of the protein and disrupt protein function (PM4_M). It is observed at an extremely low frequency in the gnomAD v2.1.1 dataset (total allele frequency: 0.000008, PM2_M). Therefore, this variant is classified as uncertain significance according to the recommendation of ACMG/AMP guideline.